The following is an entry in ClinVar:

NM_001130009.3(GEN1):c.589G>A (p.Ala197Thr)

Gene: GEN1 (GEN1 structure-specific endonuclease; plus strand). Cytogenetic location: 2p24.2.
Variant type: single nucleotide variant.
Coding change: c.589G>A on transcript NM_001130009.3 (MANE Select); coding-DNA position 589, G replaced by A.
Protein change: p.Ala197Thr; replaces alanine 197 with threonine.
Molecular consequence: missense variant.
Genome position (GRCh38, 1-based): chr2:17,766,642, G>A. VCF-style: chr2-17766642-G-A. GRCh37 (hg19) VCF-style: chr2-17947909-G-A.
Other names: c.589G>A, p.Ala197Thr (NM_182625.5); c.589G>A (NM_001130009.1); short protein forms A197T.
Identifiers: ClinVar variation 1006362 (VCV001006362.9), dbSNP rs1671949136, ClinGen allele CA345912638.

ClinVar aggregate classification (germline): Uncertain significance. Review status: criteria provided, multiple submitters, no conflicts (2 of 4 stars). 2 submissions from 2 submitters: Uncertain significance (2). Last evaluated 2025-05-27.

Allele frequency attached by ClinVar (database versions not stated): gnomAD exomes below 0.00001.
gnomAD v4.1: 1 of 1,609,728 alleles (0.000062%); highest among the groups gnomAD compares: Admixed American, 0.0017%; no homozygotes.

Submissions (2):

Ambry Genetics
Classification: Uncertain significance. Last evaluated: 2025-05-27. Review status: criteria provided, single submitter. Criteria: Ambry Variant Classification Scheme 2023. Collection method: clinical testing. Allele origin: germline.
Comment: The p.A197T variant (also known as c.589G>A), located in coding exon 4 of the GEN1 gene, results from a G to A substitution at nucleotide position 589. The alanine at codon 197 is replaced by threonine, an amino acid with similar properties. This amino acid position is conserved. In addition, this alteration is predicted to be tolerated by in silico analysis. Based on the available evidence, the clinical significance of this variant remains unclear.

Labcorp Genetics (formerly Invitae), Labcorp
Classification: Uncertain significance. Last evaluated: 2020-09-23. Review status: criteria provided, single submitter. Criteria: Invitae Variant Classification Sherloc (09022015). Collection method: clinical testing. Allele origin: germline.
Comment: In summary, the available evidence is currently insufficient to determine the role of this variant in disease. Therefore, it has been classified as a Variant of Uncertain Significance. Algorithms developed to predict the effect of missense changes on protein structure and function output the following: SIFT: "Tolerated"; PolyPhen-2: "Benign"; Align-GVGD: "Class C0". The threonine amino acid residue is found in multiple mammalian species, suggesting that this missense change does not adversely affect protein function. These predictions have not been confirmed by published functional studies and their clinical significance is uncertain. This variant has not been reported in the literature in individuals with GEN1-related conditions. This variant is not present in population databases (ExAC no frequency). This sequence change replaces alanine with threonine at codon 197 of the GEN1 protein (p.Ala197Thr). The alanine residue is moderately conserved and there is a small physicochemical difference between alanine and threonine.